The following is an entry in ClinVar:

ClinVar aggregate classification (germline): Uncertain significance (1 of 4 stars; one submission).

Conditions:
Hereditary cancer-predisposing syndrome. Also called: Tumor predisposition; Hereditary Cancer Syndrome; Hereditary neoplastic syndrome; Neoplastic Syndromes, Hereditary. Identifiers: Orphanet 140162, MedGen C0027672, MeSH D009386, MONDO:0015356.

Submission:

Ambry Genetics
Classification: Uncertain significance for Hereditary cancer-predisposing syndrome. Last evaluated: 2023-02-10. Review status: criteria provided, single submitter. Criteria: Ambry Variant Classification Scheme 2023. Collection method: clinical testing. Allele origin: germline.
Comment: The p.T2031S variant (also known as c.6091A>T), located in coding exon 40 of the ATM gene, results from an A to T substitution at nucleotide position 6091. The threonine at codon 2031 is replaced by serine, an amino acid with similar properties. This amino acid position is conserved. In addition, this alteration is predicted to be tolerated by in silico analysis. Since supporting evidence is limited at this time, the clinical significance of this alteration remains unclear.

NM_000051.4(ATM):c.6091A>T (p.Thr2031Ser)

Genes: ATM (ATM serine/threonine kinase; plus strand), C11orf65 (chromosome 11 open reading frame 65; minus strand). Cytogenetic location: 11q22.3.
Variant type: single nucleotide variant.
Coding change: c.6091A>T on transcript NM_000051.4 (MANE Select); coding-DNA position 6091, A replaced by T.
Protein change: p.Thr2031Ser; replaces threonine 2031 with serine.
Molecular consequence: missense variant. On other transcripts: intron variant (2).
Genome position (GRCh38, 1-based): chr11:108,315,907, A>T. VCF-style: chr11-108315907-A-T. GRCh37 (hg19) VCF-style: chr11-108186634-A-T.
Other names: c.641-6836T>A (NM_001330368.2); c.*39-6836T>A (NM_001351110.2); c.6091A>T, p.Thr2031Ser (NM_001351834.2); short protein forms T2031S.
Identifiers: ClinVar variation 2453975 (VCV002453975.2), dbSNP rs1591777327, ClinGen allele CA382550206.